The following is an entry in ClinVar:

ClinVar aggregate classification (germline): Uncertain significance (1 of 4 stars; one submission).

Submission:

Laboratory for Molecular Medicine, Mass General Brigham Personalized Medicine
Classification: Uncertain significance. Last evaluated: 2019-03-01. Review status: criteria provided, single submitter. Criteria: LMM Criteria. Collection method: clinical testing. Allele origin: germline. Observed: 1 variant allele.
Comment: The p.Leu556Pro variant in EYA4 has not been previously reported in individuals with hearing loss and was absent from large population studies. Computational prediction tools and conservation analysis suggest that this variant may impact the protein, though this information is not predictive enough to determine pathogenicity. In summary, the clinical significance of this variant is uncertain. ACMG/AMP Criteria applied: PM2, PP3.

NM_004100.5(EYA4):c.1667T>C (p.Leu556Pro)

Genes: EYA4 (EYA transcriptional coactivator and phosphatase 4; plus strand), TARID (TCF21 antisense RNA inducing promoter demethylation; minus strand). Cytogenetic location: 6q23.2.
Variant type: single nucleotide variant.
Coding change: c.1667T>C on transcript NM_004100.5 (MANE Select); coding-DNA position 1667, T replaced by C.
Protein change: p.Leu556Pro; replaces leucine 556 with proline.
Molecular consequence: missense variant.
Genome position (GRCh38, 1-based): chr6:133,523,106, T>C. VCF-style: chr6-133523106-T-C. GRCh37 (hg19) VCF-style: chr6-133844244-T-C.
Other names: c.1505T>C, p.Leu502Pro (NM_001301012.2); c.1685T>C, p.Leu562Pro (NM_001301013.2); c.1598T>C, p.Leu533Pro (NM_001370458.1, NM_172103.4); c.1523T>C, p.Leu508Pro (NM_001370459.1); c.1667T>C, p.Leu556Pro (NM_172105.4); short protein forms L502P, L533P, L508P, L556P, L562P.
Identifiers: ClinVar variation 667235 (VCV000667235.5), dbSNP rs1583561006, ClinGen allele CA365698595.